The following is an entry in ClinVar:

NM_005359.6(SMAD4):c.1447+3_1447+4insGCTGCTGCTGGAATTGGTGTTGATGACCTTCGTCGCTTATGCATACTCAGGATG

Gene: SMAD4 (SMAD family member 4; plus strand). Cytogenetic location: 18q21.2.
Variant type: Insertion.
Coding change: c.1447+3_1447+4insGCTGCTGCTGGAATTGGTGTTGATGACCTTCGTCGCTTATGCATACTCAGGATG on transcript NM_005359.6 (MANE Select); bases 3 to 4 of the intron after coding-DNA position 1447, GCTGCTGCTGGAATTGGTGTTGATGACCTTCGTCGCTTATGCATACTCAGGATG inserted.
Molecular consequence: intron variant.
Genome position: GRCh38: chr18:51,076,779-51,076,780. GRCh37 (hg19): chr18:48,603,149-48,603,150.
Other names: c.1447+3_1447+4insGCTGCTGCTGGAATTGGTGTTGATGACCTTCGTCGCTTATGCATACTCAGGATG (NM_001407042.1, NM_001407041.1).
Identifiers: ClinVar variation 3070138 (VCV003070138.1), dbSNP rs1555687401, ClinGen allele CA629926703.

ClinVar aggregate classification (germline): Uncertain significance (1 of 4 stars; one submission).

Conditions:
Juvenile polyposis/hereditary hemorrhagic telangiectasia syndrome (JPHT). Also called: Juvenile Polyposis Syndrome / Hereditary Hemorrhagic Telangiectasia (JPS/HHT); JP/HHT SYNDROME; JUVENILE POLYPOSIS WITH HEREDITARY HEMORRHAGIC TELANGIECTASIA; POLYPOSIS, GENERALIZED JUVENILE, WITH PULMONARY ARTERIOVENOUS MALFORMATION; TELANGIECTASIA, HEREDITARY HEMORRHAGIC, WITH JUVENILE POLYPOSIS COLI. Identifiers: Orphanet 2929, MedGen C1832942, MONDO:0008278, OMIM 175050.

Allele frequency attached by ClinVar (database versions not stated): gnomAD 0.00001.

Submission:

All of Us Research Program, National Institutes of Health
Classification: Uncertain significance for Juvenile polyposis/hereditary hemorrhagic telangiectasia syndrome. Last evaluated: 2023-12-01. Review status: criteria provided, single submitter. Criteria: ACMG Guidelines, 2015. Collection method: clinical testing. Allele origin: germline. Inheritance: Autosomal dominant inheritance. Observed: 1 variant allele, 1 heterozygote.
Comment: This study involves interpretation of variants in research participants for the purpose of population health screening. Participant phenotype was not available at the time of variant classification. Additional details can be found in publication PMID: 35346344, PMCID: PMC8962531